The following is an entry in ClinVar:

NM_003846.3(PEX11B):c.766C>T (p.Arg256Ter)

Gene: PEX11B (peroxisomal biogenesis factor 11 beta; minus strand). Cytogenetic location: 1q21.1.
Variant type: single nucleotide variant.
Coding change: c.766C>T on transcript NM_003846.3 (MANE Select); coding-DNA position 766, C replaced by T.
Protein change: p.Arg256Ter; replaces arginine 256 with a stop codon.
Molecular consequence: nonsense. On other transcripts: non-coding transcript variant (3).
Genome position (GRCh38, 1-based): chr1:145,912,175, G>A on the plus strand (C>T on the coding strand, the complement: PEX11B is on the minus strand). VCF-style: chr1-145912175-G-A. GRCh37 (hg19) VCF-style: chr1-145522905-C-T.
Other names: c.724C>T, p.Arg242Ter (NM_001184795.1); short protein forms R256*, R242*.
Identifiers: ClinVar variation 596341 (VCV000596341.10), dbSNP rs782188850, ClinGen allele CA1055663.
Genomic context (GRCh38, chr1:145,912,175, plus strand): 5'-TTCCATCTCACCAATTCAGGTCCCCTCCTTATCCTGTACCGGAAGGTCAGGGCTTGAGTC[G>A]TAGCCAGGGATAGATTAGGGTGAGAATAGACAGGATGGAGGACACGAGGCCACAAAGCCC-3'

ClinVar aggregate classification (germline): Uncertain significance. Review status: criteria provided, multiple submitters, no conflicts (2 of 4 stars). 4 submissions from 4 submitters: Uncertain significance (3). 1 of the submissions does not count toward it. Last evaluated 2022-08-15.

Conditions:
Peroxisome biogenesis disorder 14B (PEX14B). Identifiers: Orphanet 44, MedGen C3554055, MONDO:0013967, OMIM 614920.

Allele frequency attached by ClinVar (database versions not stated): TOPMed 0.00003; ExAC 0.00006; gnomAD exomes 0.00007 and 0.00002; gnomAD 0.00003.
gnomAD v4.1: 40 of 1,604,588 alleles (0.0025%); highest among the groups gnomAD compares: Admixed American, 0.02%; no homozygotes.

Submissions (4):

Labcorp Genetics (formerly Invitae), Labcorp
Classification: Uncertain significance. Last evaluated: 2022-08-15. Review status: criteria provided, single submitter. Criteria: Invitae Variant Classification Sherloc (09022015). Collection method: clinical testing. Allele origin: germline.
Comment: This sequence change creates a premature translational stop signal (p.Arg256*) in the PEX11B gene. While this is not anticipated to result in nonsense mediated decay, it is expected to disrupt the last 4 amino acid(s) of the PEX11B protein. This variant is present in population databases (rs782188850, gnomAD 0.02%). This variant has not been reported in the literature in individuals affected with PEX11B-related conditions. ClinVar contains an entry for this variant (Variation ID: 596341). Experimental studies and prediction algorithms are not available or were not evaluated, and the functional significance of this variant is currently unknown. In summary, the available evidence is currently insufficient to determine the role of this variant in disease. Therefore, it has been classified as a Variant of Uncertain Significance.

Blueprint Genetics
Classification: Uncertain significance. Last evaluated: 2022-06-08. Review status: criteria provided, single submitter. Criteria: ACMG Guidelines, 2015. Collection method: clinical testing. Allele origin: germline.

Eurofins Ntd Llc (ga)
Classification: Uncertain significance. Last evaluated: 2018-03-08. Review status: criteria provided, single submitter. Criteria: EGL ClinVar v180209 classification definitions. Collection method: clinical testing. Allele origin: germline. Observed: 1 variant allele, 1 heterozygote.

Payam Genetics Center, General Welfare Department of North Khorasan Province
Classification: Pathogenic for Peroxisome biogenesis disorder 14B. Last evaluated: 2023-03-01. Review status: no assertion criteria provided. Collection method: clinical testing. Allele origin: germline. Affected: yes. Observed: 1 variant allele. Not counted in ClinVar's aggregate classification.
Comment: This sequence change creates a premature translational stop signal (p.Arg256*) in the PEX11B gene. It is expected to disrupt the last 4 amino acid(s) of the PEX11B protein. This variant is present in population databases (rs782188850, gnomAD 0.02%). This variant has not been reported in the literature in individuals affected with PEX11B-related conditions and Iranom. Therefore, it has been classified as a Variant of Pathogenic.